The following is an entry in ClinVar:

NM_002303.6(LEPR):c.1086C>T (p.Pro362=)

Gene: LEPR (leptin receptor; plus strand). Cytogenetic location: 1p31.3.
Variant type: single nucleotide variant.
Coding change: c.1086C>T on transcript NM_002303.6 (MANE Select); coding-DNA position 1086, C replaced by T.
Protein change: p.Pro362=; no amino-acid change (proline 362 retained).
Molecular consequence: synonymous variant.
Genome position (GRCh38, 1-based): chr1:65,601,483, C>T. VCF-style: chr1-65601483-C-T. GRCh37 (hg19) VCF-style: chr1-66067166-C-T.
Other names: c.1086C>T, p.Pro362= (NM_001003679.3, NM_001003680.3, NM_001198687.2 and 2 more transcripts).
Identifiers: ClinVar variation 4996307 (VCV004996307.1).

ClinVar aggregate classification (germline): Likely benign (1 of 4 stars; one submission).

Conditions:
LEPR-related disorder. Also called: LEPR-related disorders; LEPR-related condition.

gnomAD v4.1: 3 of 1,613,524 alleles (0.00019%); highest among the groups gnomAD compares: Admixed American, 0.0033%; no homozygotes.

Submission:

PreventionGenetics, part of Exact Sciences
Classification: Likely benign for LEPR-related condition. Last evaluated: 2025-12-02. Review status: criteria provided, single submitter. Criteria: ACMG Guidelines, 2015. Collection method: clinical testing. Allele origin: germline.
Comment: This variant is classified as likely benign based on ACMG/AMP sequence variant interpretation guidelines (Richards et al. 2015 PMID: 25741868, with internal and published modifications).